The following is an entry in ClinVar:

ClinVar aggregate classification (germline): Uncertain significance. Review status: criteria provided, multiple submitters, no conflicts (2 of 4 stars). 5 submissions from 5 submitters: Uncertain significance (5). Last evaluated 2025-05-17.

Conditions:
Inborn genetic diseases. Identifiers: MedGen C0950123, MeSH D030342.
Myoglobinuria, acute recurrent, autosomal recessive. Also called: Myoglobinuria, recurrent, autosomal recessive; MYOGLOBINURIA, FAMILIAL PAROXYSMAL PARALYTIC; RHABDOMYOLYSIS, ACUTE RECURRENT. Identifiers: Orphanet 99845, MedGen C1849386, MONDO:0009992, OMIM 268200.

Allele frequency attached by ClinVar (database versions not stated): gnomAD exomes 0.00005 and 0.00008; gnomAD 0.00006; ESP Exome Variant Server 0.00008; TOPMed 0.00010; ExAC 0.00012.
gnomAD v4.1: 87 of 1,613,992 alleles (0.0054%); highest among the groups gnomAD compares: South Asian, 0.033%; no homozygotes.

Submissions (5):

Ambry Genetics
Classification: Uncertain significance for Inborn genetic diseases. Last evaluated: 2025-05-17. Review status: criteria provided, single submitter. Criteria: Ambry Variant Classification Scheme 2023. Collection method: clinical testing. Allele origin: germline.

Fulgent Genetics
Classification: Uncertain significance for Myoglobinuria, acute recurrent, autosomal recessive. Last evaluated: 2024-04-19. Review status: criteria provided, single submitter. Criteria: ACMG Guidelines, 2015. Collection method: clinical testing. Allele origin: germline.

Labcorp Genetics (formerly Invitae), Labcorp
Classification: Uncertain significance. Last evaluated: 2023-12-26. Review status: criteria provided, single submitter. Criteria: Invitae Variant Classification Sherloc (09022015). Collection method: clinical testing. Allele origin: germline.
Comment: This sequence change replaces threonine, which is neutral and polar, with methionine, which is neutral and non-polar, at codon 745 of the LPIN1 protein (p.Thr745Met). This variant is present in population databases (rs149307854, gnomAD 0.03%). This variant has not been reported in the literature in individuals affected with LPIN1-related conditions. ClinVar contains an entry for this variant (Variation ID: 893075). Advanced modeling of protein sequence and biophysical properties (such as structural, functional, and spatial information, amino acid conservation, physicochemical variation, residue mobility, and thermodynamic stability) performed at Invitae indicates that this missense variant is expected to disrupt LPIN1 protein function with a positive predictive value of 80%. In summary, the available evidence is currently insufficient to determine the role of this variant in disease. Therefore, it has been classified as a Variant of Uncertain Significance.

Mayo Clinic Laboratories, Mayo Clinic
Classification: Uncertain significance. Last evaluated: 2022-03-21. Review status: criteria provided, single submitter. Criteria: ACMG Guidelines, 2015. Collection method: clinical testing. Allele origin: germline. Observed: 1 variant allele.
Comment: PM2

Illumina Laboratory Services, Illumina
Classification: Uncertain significance for Myoglobinuria, acute recurrent, autosomal recessive. Last evaluated: 2018-01-12. Review status: criteria provided, single submitter. Criteria: ICSL Variant Classification Criteria 13 December 2019. Collection method: clinical testing. Allele origin: germline.

NM_001349206.2(LPIN1):c.2342C>T (p.Thr781Met)

Gene: LPIN1 (lipin 1; plus strand). Cytogenetic location: 2p25.1.
Variant type: single nucleotide variant.
Coding change: c.2342C>T on transcript NM_001349206.2 (MANE Select); coding-DNA position 2342, C replaced by T.
Protein change: p.Thr781Met; replaces threonine 781 with methionine.
Molecular consequence: missense variant. On other transcripts: non-coding transcript variant (1).
Genome position (GRCh38, 1-based): chr2:11,815,180, C>T. VCF-style: chr2-11815180-C-T. GRCh37 (hg19) VCF-style: chr2-11955306-C-T.
Other names: p.Thr745Met; c.2234C>T (NM_145693.3, NM_145693.1); c.2252C>T, p.Thr751Met (NM_001261427.3); c.2489C>T, p.Thr830Met (NM_001261428.3); c.2234C>T, p.Thr745Met (NM_001349199.2, NM_145693.4); c.2312C>T, p.Thr771Met (NM_001349200.2, NM_001349201.2); c.2339C>T, p.Thr780Met (NM_001349202.2, NM_001349203.2); c.2342C>T, p.Thr781Met (NM_001349204.2, NM_001349205.2); and 2 more; short protein forms T745M, T771M, T780M, T811M, T794M, T751M, T781M, T830M.
Identifiers: ClinVar variation 893075 (VCV000893075.12), dbSNP rs149307854, ClinGen allele CA1534072.